The following is an entry in ClinVar:

ClinVar aggregate classification (germline): Conflicting classifications of pathogenicity. Review status: criteria provided, conflicting classifications (1 of 4 stars). 12 submissions from 12 submitters: Uncertain significance (8); Likely benign (1). 3 of the submissions do not count toward it. Last evaluated 2025-10-14.

Conditions:
Familial adenomatous polyposis 1 (FAP1). Also called: FAMILIAL ADENOMATOUS POLYPOSIS 1, ATTENUATED; POLYPOSIS, ADENOMATOUS INTESTINAL. Identifiers: MedGen C2713442, MONDO:0021056, OMIM 175100. Disease mechanism: loss of function.
Classic or attenuated familial adenomatous polyposis. Identifiers: MedGen CN372698, MONDO:0021057.
Hereditary cancer-predisposing syndrome. Also called: Tumor predisposition; Hereditary neoplastic syndrome; Neoplastic Syndromes, Hereditary; Hereditary Cancer Syndrome. Identifiers: Orphanet 140162, MedGen C0027672, MeSH D009386, MONDO:0015356.
Colon adenocarcinoma. Also called: Colonic adenocarcinoma; Adenocarcinoma of the colon. Identifiers: MedGen C0338106, MONDO:0002271, HP:0040276.

Allele frequency attached by ClinVar (database versions not stated): TOPMed 0.00001.
gnomAD v4.1: 11 of 1,613,224 alleles (0.00068%); highest among the groups gnomAD compares: East Asian, 0.0045%; no homozygotes.

Submissions (12):

Labcorp Genetics (formerly Invitae), Labcorp
Classification: Uncertain significance for Familial adenomatous polyposis 1. Last evaluated: 2025-10-14. Review status: criteria provided, single submitter. Criteria: Invitae Variant Classification Sherloc (09022015). Collection method: clinical testing. Allele origin: germline.
Comment: This sequence change replaces threonine, which is neutral and polar, with isoleucine, which is neutral and non-polar, at codon 2611 of the APC protein (p.Thr2611Ile). This variant is present in population databases (rs587778037, gnomAD 0.02%). This missense change has been observed in individual(s) with colorectal cancer (PMID: 27978560). ClinVar contains an entry for this variant (Variation ID: 133523). Invitae Evidence Modeling of protein sequence and biophysical properties (such as structural, functional, and spatial information, amino acid conservation, physicochemical variation, residue mobility, and thermodynamic stability) indicates that this missense variant is not expected to disrupt APC protein function with a negative predictive value of 95%. In summary, the available evidence is currently insufficient to determine the role of this variant in disease. Therefore, it has been classified as a Variant of Uncertain Significance.

Center for Genomic Medicine, Rigshospitalet, Copenhagen University Hospital
Classification: Uncertain significance. Last evaluated: 2025-03-04. Review status: criteria provided, single submitter. Criteria: ACMG Guidelines, 2015. Collection method: clinical testing. Allele origin: germline.
Comment: Classification criteria: BP1

Color Diagnostics, LLC DBA Color Health
Classification: Uncertain significance for Hereditary cancer-predisposing syndrome. Last evaluated: 2024-06-12. Review status: criteria provided, single submitter. Criteria: ACMG Guidelines, 2015. Collection method: clinical testing. Allele origin: germline.
Comment: This missense variant replaces threonine with isoleucine at codon 2611 of the APC protein. Computational prediction is inconclusive regarding the impact of this variant on protein structure and function (internally defined REVEL score threshold 0.5 < inconclusive < 0.7, PMID: 27666373). To our knowledge, functional studies have not been reported for this variant. This variant has been reported in an individual affected with rectal cancer (PMID: 27978560), as well as in an unaffected individual (PMID: 24728327). This variant has been identified in 3/250108 chromosomes in the general population by the Genome Aggregation Database (gnomAD). The available evidence is insufficient to determine the role of this variant in disease conclusively. Therefore, this variant is classified as a Variant of Uncertain Significance.

All of Us Research Program, National Institutes of Health
Classification: Uncertain significance for Classic or attenuated familial adenomatous polyposis. Last evaluated: 2023-11-20. Review status: criteria provided, single submitter. Criteria: ACMG Guidelines, 2015. Collection method: clinical testing. Allele origin: germline. Inheritance: Autosomal dominant inheritance. Observed: 4 variant alleles, 4 heterozygotes.
Comment: This missense variant replaces threonine with isoleucine at codon 2611 of the APC protein. Computational prediction is inconclusive regarding the impact of this variant on protein structure and function (internally defined REVEL score threshold 0.5 < inconclusive < 0.7, PMID: 27666373). To our knowledge, functional studies have not been reported for this variant. This variant has been reported in an individual affected with rectal cancer (PMID: 27978560), as well as in an unaffected individual (PMID: 24728327). This variant has been identified in 3/250108 chromosomes in the general population by the Genome Aggregation Database (gnomAD). The available evidence is insufficient to determine the role of this variant in disease conclusively. Therefore, this variant is classified as a Variant of Uncertain Significance.

This study involves interpretation of variants in research participants for the purpose of population health screening. Participant phenotype was not available at the time of variant classification. Additional details can be found in publication PMID: 35346344, PMCID: PMC8962531

Myriad Genetics, Inc.
Classification: Uncertain significance for Familial adenomatous polyposis 1. Last evaluated: 2023-02-21. Review status: criteria provided, single submitter. Criteria: Myriad Autosomal Dominant, Autosomal Recessive and X-Linked Classification Criteria (2023). Collection method: clinical testing. Allele origin: unknown.
Comment: This variant is classified as a variant of uncertain significance as there is insufficient evidence to determine its impact on protein function and/or cancer risk.

Ambry Genetics
Classification: Likely benign for Hereditary cancer-predisposing syndrome. Last evaluated: 2021-10-29. Review status: criteria provided, single submitter. Criteria: Ambry Variant Classification Scheme 2023. Collection method: clinical testing. Allele origin: germline.

Sema4
Classification: Uncertain significance for Hereditary cancer-predisposing syndrome. Last evaluated: 2021-09-08. Review status: criteria provided, single submitter. Criteria: Sema4 Curation Guidelines. Collection method: curation. Allele origin: germline.
Comment: The APC c.7832C>T (p.T2611I) variant has been reported in at least one individual with colorectal cancer as well as in controls (PMID: 27978560, 24728327). It was observed in 3/18372 chromosomes of the East Asian subpopulation in the large and broad cohorts of the Genome Aggregation Database (PMID: 32461654). The variant has been reported in ClinVar (Variation ID 133523). Functional studies have not been performed, and in silico predictions of the variant's effect on protein function are inconclusive. The evidence is insufficient to meet ACMG/AMP criteria for classifying the variant as benign or pathogenic. Thus, the clinical significance of this variant is currently uncertain.

Laboratory for Molecular Medicine, Mass General Brigham Personalized Medicine
Classification: Uncertain significance. Last evaluated: 2018-10-16. Review status: criteria provided, single submitter. Criteria: LMM Criteria. Collection method: clinical testing. Allele origin: germline. Observed: 1 variant allele.
Comment: The p.Thr2611Ile variant in APC has been reported in at least one individual wit h colorectal cancer (Pearlman 2017) and at least one healthy individual undergoi ng multi-gene sequencing (Bodian 2015). This variant has also been reported by o ther clinical laboratories in ClinVar (Variation ID: 133523). Additionally, this variant has been identified in 3/17232 East Asian chromosomes by gnomAD. Computational prediction tools and conservation ana lysis suggest that the p.Thr2611Ile variant may impact the protein. In summary, the clinical significance of the p.Thr2611Ile variant is uncertain. ACMG/AMP Cri teria applied: PP3.

Women's Health and Genetics/Laboratory Corporation of America, LabCorp
Classification: Uncertain significance. Last evaluated: 2017-02-23. Review status: criteria provided, single submitter. Criteria: LabCorp Variant Classification Summary - May 2015. Collection method: clinical testing. Allele origin: germline.
Comment: Variant summary: The APC c.7832C>T (p.Thr2611Ile) variant involves the alteration of a conserved nucleotide. 4/4 in silico tools predict a damaging outcome for this substitution (SNPs&GO not captured due to low reliability index). This variant was found in 1/122206 control chromosomes at a frequency of 0.0000082, which does not exceed the estimated maximal expected allele frequency of a pathogenic APC variant (0.0000714). It was reported in at least one CRC patient, however without strong evidence for pathogenicity such as co-segregation. Multiple clinical diagnostic laboratories/reputable databases classified this variant as uncertain significance. Taken together, this variant is classified as VUS.

3DMed Clinical Laboratory Inc
Classification: Uncertain significance for Adenocarcinoma of the colon. Last evaluated: 2017-08-18. Review status: no assertion criteria provided. Criteria: ACMG Guidelines, 2015. Collection method: clinical testing. Allele origin: germline. Affected: yes. Not counted in ClinVar's aggregate classification.

Counsyl
Classification: Uncertain significance for Familial adenomatous polyposis 1. Last evaluated: 2015-12-04. Review status: no assertion criteria provided. Collection method: clinical testing. Allele origin: unknown. Not counted in ClinVar's aggregate classification.

ITMI
No classification provided. Condition: AllHighlyPenetrant. Last evaluated: 2013-09-19. Review status: no classification provided. Collection method: reference population. Allele origin: germline. Not counted in ClinVar's aggregate classification.
Comment: Please see associated publication for description of ethnicities

Literature cited by the submitters: PubMed 27978560 (cited by 7 submitters); PubMed 24728327 (cited by 8 submitters).

NM_000038.6(APC):c.7832C>T (p.Thr2611Ile)

Gene: APC (APC regulator of Wnt signaling pathway; plus strand). Cytogenetic location: 5q22.2.
Variant type: single nucleotide variant.
Coding change: c.7832C>T on transcript NM_000038.6 (MANE Select); coding-DNA position 7832, C replaced by T.
Protein change: p.Thr2611Ile; replaces threonine 2611 with isoleucine.
Molecular consequence: missense variant.
Genome position (GRCh38, 1-based): chr5:112,843,426, C>T. VCF-style: chr5-112843426-C-T. GRCh37 (hg19) VCF-style: chr5-112179123-C-T.
Other names: c.7832C>T, p.Thr2611Ile (NM_001127510.3, NM_001354895.2); c.7778C>T, p.Thr2593Ile (NM_001127511.3); c.7886C>T, p.Thr2629Ile (NM_001354896.2); c.7862C>T, p.Thr2621Ile (NM_001354897.2); c.7757C>T, p.Thr2586Ile (NM_001354898.2); c.7748C>T, p.Thr2583Ile (NM_001354899.2); c.7709C>T, p.Thr2570Ile (NM_001354900.2); c.7655C>T, p.Thr2552Ile (NM_001354901.2); and 5 more; short protein forms T2593I, T2611I, T2552I, T2485I, T2520I, T2570I, T2621I, T2328I.
Identifiers: ClinVar variation 133523 (VCV000133523.28), dbSNP rs587778037, ClinGen allele CA014100.